The following is an entry in ClinVar:

ClinVar aggregate classification (germline): Uncertain significance (1 of 4 stars; one submission).

Conditions:
Gastrointestinal stromal tumor. Also called: Gastrointestinal stromal tumor, somatic; Gastrointestinal stroma tumor. Identifiers: Orphanet 44890, MedGen C0238198, MeSH D046152, MONDO:0011719, OMIM 606764, HP:0100723.

Submission:

Labcorp Genetics (formerly Invitae), Labcorp
Classification: Uncertain significance for Gastrointestinal stromal tumor. Last evaluated: 2023-09-29. Review status: criteria provided, single submitter. Criteria: Invitae Variant Classification Sherloc (09022015). Collection method: clinical testing. Allele origin: germline.
Comment: This variant has not been reported in the literature in individuals affected with KIT-related conditions. In summary, the available evidence is currently insufficient to determine the role of this variant in disease. Therefore, it has been classified as a Variant of Uncertain Significance. An algorithm developed to predict the effect of missense changes on protein structure and function (PolyPhen-2) suggests that this variant is likely to be disruptive. This variant is not present in population databases (gnomAD no frequency). This sequence change replaces phenylalanine, which is neutral and non-polar, with leucine, which is neutral and non-polar, at codon 392 of the KIT protein (p.Phe392Leu).

NM_000222.3(KIT):c.1174T>C (p.Phe392Leu)

Gene: KIT (KIT proto-oncogene, receptor tyrosine kinase; plus strand). Cytogenetic location: 4q12.
Variant type: single nucleotide variant.
Coding change: c.1174T>C on transcript NM_000222.3 (MANE Select); coding-DNA position 1174, T replaced by C.
Protein change: p.Phe392Leu; replaces phenylalanine 392 with leucine.
Molecular consequence: missense variant.
Genome position (GRCh38, 1-based): chr4:54,709,482, T>C. VCF-style: chr4-54709482-T-C. GRCh37 (hg19) VCF-style: chr4-55575648-T-C.
Other names: c.1174T>C, p.Phe392Leu (NM_001385286.1, NM_001093772.2, NM_001385285.1); c.1177T>C, p.Phe393Leu (NM_001385288.1, NM_001385290.1, NM_001385292.1 and 1 more transcripts); short protein forms F392L, F393L.
Identifiers: ClinVar variation 2764198 (VCV002764198.3), dbSNP rs2475486211, ClinGen allele CA356902357.